The following is an entry in ClinVar:

NM_000890.5(KCNJ5):c.41_46del (p.Glu14_Ile15del)

Gene: KCNJ5 (potassium inwardly rectifying channel subfamily J member 5; plus strand). Cytogenetic location: 11q24.3.
Variant type: Deletion.
Coding change: c.41_46del on transcript NM_000890.5 (MANE Select); coding-DNA positions 41 to 46, 6 bases deleted (AGATTG; older notation c.41_46delAGATTG).
Protein change: p.Glu14_Ile15del.
Molecular consequence: inframe deletion.
Genome position (GRCh38, 1-based): chr11:128,911,314-128,911,319, AGATTG deleted; deleting any 6 consecutive bases within chr11:128,911,313-128,911,319 gives the same sequence; the c. name uses the placement nearest the transcript's 3' end. VCF-style (leftmost placement, unchanged base first): chr11-128911312-GGAGATT-G. GRCh37 (hg19) VCF-style: chr11-128781207-GGAGATT-G.
Other names: c.41_46del, p.Glu14_Ile15del (NM_001354169.2).
Identifiers: ClinVar variation 1309764 (VCV001309764.2), dbSNP rs2135998405, ClinGen allele CA2573053454.
Genomic context (GRCh38, chr11:128,911,312, plus strand): 5'-TTTAACTCAAAGCATCCCAGCTATGGCTGGCGATTCTAGGAATGCCATGAACCAGGACAT[GGAGATT>G]GGAGTCACTCCCTGGGACCCCAAGAAGATTCCAAAACAGGCCCGCGATTATGTCCCCATT-3'

ClinVar aggregate classification (germline): Uncertain significance (1 of 4 stars; one submission).

Submission:

GeneDx
Classification: Uncertain significance. Last evaluated: 2019-10-25. Review status: criteria provided, single submitter. Criteria: GeneDx Variant Classification Process June 2021. Collection method: clinical testing. Allele origin: germline. Affected: yes.
Comment: Has not been previously published as pathogenic or benign to our knowledge; Not observed in large population cohorts (Lek et al., 2016); In silico analysis, which includes protein predictors and evolutionary conservation, supports a deleterious effect